The following is an entry in ClinVar:

ClinVar aggregate classification (germline): Benign/Likely benign. Review status: criteria provided, multiple submitters, no conflicts (2 of 4 stars). 9 submissions from 9 submitters: Benign (3); Likely benign (5). 1 of the submissions does not count toward it. Last evaluated 2026-06-01.

Conditions:
Kidney disorder. Also called: Kidney disease; Kidney Diseases; renal disorder; Nephropathy; renal disease. Identifiers: MedGen C0022658, MONDO:0005240, HP:0000112.
Inborn genetic diseases. Identifiers: MedGen C0950123, MeSH D030342.
Charcot-Marie-Tooth disease dominant intermediate E. Also called: CHARCOT-MARIE-TOOTH NEUROPATHY WITH FOCAL SEGMENTAL GLOMERULONEPHRITIS. Identifiers: Orphanet 93114, MedGen C4302667, MONDO:0013758, OMIM 614455.
Focal segmental glomerulosclerosis 5 (FSGS5). Identifiers: Orphanet 656, MedGen C2750475, MONDO:0013191, OMIM 613237.
INF2-related disorder. Also called: INF2-related condition.

Allele frequency attached by ClinVar (database versions not stated): 1000 Genomes Project 30x 0.00031; 1000 Genomes Project 0.00040; TOPMed 0.00040; ESP Exome Variant Server 0.00041; gnomAD 0.00093 and 0.00098; gnomAD exomes 0.00101; ExAC 0.00103.

Submissions (9):

CeGaT Center for Human Genetics Tuebingen
Classification: Likely benign. Last evaluated: 2026-06-01. Review status: criteria provided, single submitter. Criteria: CeGaT Center For Human Genetics Tuebingen Variant Classification Criteria Version 2. Collection method: clinical testing. Allele origin: germline. Affected: yes. Observed: 7 variant alleles.
Comment: INF2: BP4, BS1

Labcorp Genetics (formerly Invitae), Labcorp
Classification: Benign for Charcot-Marie-Tooth disease dominant intermediate E; Focal segmental glomerulosclerosis 5. Last evaluated: 2025-10-30. Review status: criteria provided, single submitter. Criteria: Invitae Variant Classification Sherloc (09022015). Collection method: clinical testing. Allele origin: germline.

Blueprint Genetics
Classification: Likely benign. Last evaluated: 2024-11-21. Review status: criteria provided, single submitter. Criteria: ACMG Guidelines, 2015. Collection method: clinical testing. Allele origin: germline.

ARUP Laboratories, Molecular Genetics and Genomics, ARUP Laboratories
Classification: Likely benign. Last evaluated: 2024-01-02. Review status: criteria provided, single submitter. Criteria: ARUP Molecular Germline Variant Investigation Process 2024. Collection method: clinical testing. Allele origin: germline.

Ambry Genetics
Classification: Likely benign for Inborn genetic diseases. Last evaluated: 2020-03-18. Review status: criteria provided, single submitter. Criteria: Ambry Variant Classification Scheme 2023. Collection method: clinical testing. Allele origin: germline.

GeneDx
Classification: Benign. Last evaluated: 2019-12-06. Review status: criteria provided, single submitter. Criteria: GeneDx Variant Classification Process June 2021. Collection method: clinical testing. Allele origin: germline. Affected: yes.

Genome Diagnostics Laboratory, The Hospital for Sick Children
Classification: Likely benign for Kidney disorder. Last evaluated: 2019-11-01. Review status: criteria provided, single submitter. Criteria: ACMG Guidelines, 2015. Collection method: clinical testing. Allele origin: germline.

Illumina Laboratory Services, Illumina
Classification: Benign for Focal segmental glomerulosclerosis 5. Last evaluated: 2018-01-12. Review status: criteria provided, single submitter. Criteria: ICSL Variant Classification Criteria 13 December 2019. Collection method: clinical testing. Allele origin: germline.
Comment: This variant was observed in the ICSL laboratory as part of a predisposition screen in an ostensibly healthy population. It had not been previously curated by ICSL or reported in the Human Gene Mutation Database (HGMD: prior to June 1st, 2018), and was therefore a candidate for classification through an automated scoring system. Utilizing variant allele frequency, disease prevalence and penetrance estimates, and inheritance mode, an automated score was calculated to assess if this variant is too frequent to cause the disease. Based on the score and internal cut-off values, a variant classified as benign is not then subjected to further curation. The score for this variant resulted in a classification of benign for this disease.

PreventionGenetics, part of Exact Sciences
Classification: Benign for INF2-related condition. Last evaluated: 2019-08-09. Review status: no assertion criteria provided. Collection method: clinical testing. Allele origin: germline. Not counted in ClinVar's aggregate classification.
Comment: This variant is classified as benign based on ACMG/AMP sequence variant interpretation guidelines (Richards et al. 2015 PMID: 25741868, with internal and published modifications).

NM_022489.4(INF2):c.2848C>T (p.Arg950Trp)

Gene: INF2 (inverted formin 2; plus strand). Cytogenetic location: 14q32.33.
Variant type: single nucleotide variant.
Coding change: c.2848C>T on transcript NM_022489.4 (MANE Select); coding-DNA position 2848, C replaced by T.
Protein change: p.Arg950Trp; replaces arginine 950 with tryptophan.
Molecular consequence: missense variant.
Genome position (GRCh38, 1-based): chr14:104,713,279, C>T. VCF-style: chr14-104713279-C-T. GRCh37 (hg19) VCF-style: chr14-105179616-C-T.
Other names: c.2848C>T, p.Arg950Trp (NM_001031714.4); short protein forms R950W.
Identifiers: ClinVar variation 312703 (VCV000312703.54), dbSNP rs199873407, ClinGen allele CA7373097.
Genomic context (GRCh38, chr14:104,713,279, plus strand): 5'-CGGAAGGAGCAGGCGGCGAAGGCAGAGAGGAGGAAGCAGCAGCTGGCGGAGGAGGAGGCG[C>T]GGCGGCCTCGGGGAGAGGACGGGAAGCCTGGTGAGGCTGGGCCGGCTGGGCGGGGAGGGG-3'
Protein context (NP_071934.3, residues 940-960): RKQQLAEEEA[Arg950Trp]RPRGEDGKPV